The following is an entry in ClinVar:

ClinVar aggregate classification (germline): Uncertain significance. Review status: criteria provided, multiple submitters, no conflicts (2 of 4 stars). 3 submissions from 3 submitters: Uncertain significance (2). 1 of the submissions does not count toward it. Last evaluated 2023-01-13.

Conditions:
Stuve-Wiedemann syndrome (STWS). Also called: Stüve-Wiedemann syndrome. Identifiers: Orphanet 3206, MedGen C0796176, MONDO:0031280.
Stüve-Wiedemann syndrome 1. Also called: STUVE-WIEDEMANN/SCHWARTZ-JAMPEL TYPE 2 SYNDROME. Identifiers: Orphanet 3206, MedGen C5676888, MONDO:0800043, OMIM 601559.

Allele frequency attached by ClinVar (database versions not stated): gnomAD exomes 0.00001.
gnomAD v4.1: 8 of 1,587,464 alleles (0.0005%); highest among the groups gnomAD compares: Non-Finnish European, 0.00069%; no homozygotes.

Submissions (3):

Department of Pathology and Laboratory Medicine, Sinai Health System
Classification: Uncertain significance for Stüve-Wiedemann syndrome 1. Last evaluated: 2023-01-13. Review status: criteria provided, single submitter. Criteria: ACMG Guidelines, 2015. Collection method: research. Allele origin: germline.

Labcorp Genetics (formerly Invitae), Labcorp
Classification: Uncertain significance. Last evaluated: 2022-07-03. Review status: criteria provided, single submitter. Criteria: Invitae Variant Classification Sherloc (09022015). Collection method: clinical testing. Allele origin: germline.
Comment: This sequence change replaces glutamine, which is neutral and polar, with histidine, which is basic and polar, at codon 61 of the LIFR protein (p.Gln61His). This variant is not present in population databases (gnomAD no frequency). This variant has not been reported in the literature in individuals affected with LIFR-related conditions. ClinVar contains an entry for this variant (Variation ID: 990387). Algorithms developed to predict the effect of missense changes on protein structure and function (SIFT, PolyPhen-2, Align-GVGD) all suggest that this variant is likely to be tolerated. In summary, the available evidence is currently insufficient to determine the role of this variant in disease. Therefore, it has been classified as a Variant of Uncertain Significance.

Natera, Inc.
Classification: Uncertain significance for Stuve-Wiedemann syndrome. Last evaluated: 2020-08-13. Review status: no assertion criteria provided. Collection method: clinical testing. Allele origin: germline. Not counted in ClinVar's aggregate classification.

NM_001127671.2(LIFR):c.183A>C (p.Gln61His)

Gene: LIFR (LIF receptor subunit alpha; minus strand). Cytogenetic location: 5p13.1.
Variant type: single nucleotide variant.
Coding change: c.183A>C on transcript NM_001127671.2 (MANE Select); coding-DNA position 183, A replaced by C.
Protein change: p.Gln61His; replaces glutamine 61 with histidine.
Molecular consequence: missense variant.
Genome position (GRCh38, 1-based): chr5:38,528,800, T>G on the plus strand (A>C on the coding strand, the complement: LIFR is on the minus strand). VCF-style: chr5-38528800-T-G. GRCh37 (hg19) VCF-style: chr5-38528902-T-G.
Other names: c.183A>C, p.Gln61His (NM_001364297.2, NM_001364298.2, NM_002310.6); short protein forms Q61H.
Identifiers: ClinVar variation 990387 (VCV000990387.4), dbSNP rs1243202901, ClinGen allele CA359616025.